The following is an entry in ClinVar:

NM_000834.5(GRIN2B):c.923T>C (p.Leu308Pro)

Gene: GRIN2B (glutamate ionotropic receptor NMDA type subunit 2B; minus strand). Cytogenetic location: 12p13.1.
Variant type: single nucleotide variant.
Coding change: c.923T>C on transcript NM_000834.5 (MANE Select); coding-DNA position 923, T replaced by C.
Protein change: p.Leu308Pro; replaces leucine 308 with proline.
Molecular consequence: missense variant.
Genome position (GRCh38, 1-based): chr12:13,753,404, A>G on the plus strand (T>C on the coding strand, the complement: GRIN2B is on the minus strand). VCF-style: chr12-13753404-A-G. GRCh37 (hg19) VCF-style: chr12-13906338-A-G.
Other names: short protein forms L308P.
Identifiers: ClinVar variation 583000 (VCV000583000.9), dbSNP rs1565524674, ClinGen allele CA384053142.
Genomic context (GRCh38, chr12:13,753,404, plus strand): 5'-CTCTTCTCGTGGGTGTTGTAACAACTGCTTTTGGGCTCAGGGATGAAGCTGTGCTCAGAC[A>G]GCATGTCAGAAGCAGCAGTGGTGATTATGGCAATTCCATCTCTCACTCTGGCGGGGAGGC-3'
Protein context (NP_000825.2, residues 298-318): AIITTAASDM[Leu308Pro]SEHSFIPEPK

ClinVar aggregate classification (germline): Uncertain significance (1 of 4 stars; one submission).

Conditions:
Intellectual developmental disorder, autosomal dominant 6, with or without seizures. Also called: Intellectual disability, autosomal dominant 6; GRIN2B-related developmental delay, intellectual disability and autism spectrum disorder. Identifiers: Orphanet 589547, MedGen C3151411, MONDO:0013509, OMIM 613970.
Developmental and epileptic encephalopathy, 27 (DEE27). Also called: GRIN2B-Related Neurodevelopmental Disorder; Epileptic encephalopathy, early infantile, 27. Identifiers: Orphanet 3451, MedGen C4015316, MONDO:0014505, OMIM 616139.

Submission:

Labcorp Genetics (formerly Invitae), Labcorp
Classification: Uncertain significance for Developmental and epileptic encephalopathy, 27; Intellectual developmental disorder, autosomal dominant 6, with or without seizures. Last evaluated: 2018-05-19. Review status: criteria provided, single submitter. Criteria: Invitae Variant Classification Sherloc (09022015). Collection method: clinical testing. Allele origin: germline.
Comment: In summary, the available evidence is currently insufficient to determine the role of this variant in disease. Therefore, it has been classified as a Variant of Uncertain Significance. Algorithms developed to predict the effect of missense changes on protein structure and function (SIFT, PolyPhen-2, Align-GVGD) all suggest that this variant is likely to be disruptive, but these predictions have not been confirmed by published functional studies and their clinical significance is uncertain. This variant has not been reported in the literature in individuals with GRIN2B-related disease. This variant is not present in population databases (ExAC no frequency). This sequence change replaces leucine with proline at codon 308 of the GRIN2B protein (p.Leu308Pro). The leucine residue is highly conserved and there is a moderate physicochemical difference between leucine and proline.